The following is an entry in ClinVar:

NM_020549.5(CHAT):c.246C>A (p.Cys82Ter)

Gene: CHAT (choline O-acetyltransferase; plus strand). Cytogenetic location: 10q11.23.
Variant type: single nucleotide variant.
Coding change: c.246C>A on transcript NM_020549.5 (MANE Select); coding-DNA position 246, C replaced by A.
Protein change: p.Cys82Ter; replaces cysteine 82 with a stop codon.
Molecular consequence: nonsense. On other transcripts: 5 prime UTR variant (4), intron variant (2).
Genome position (GRCh38, 1-based): chr10:49,614,435, C>A. VCF-style: chr10-49614435-C-A. GRCh37 (hg19) VCF-style: chr10-50822481-C-A.
Other names: c.-109C>A (NM_001142929.2, NM_020985.4); c.-71C>A (NM_001142933.2); c.-69+1233C>A (NM_020986.4); c.-179C>A (NM_001142934.2); c.-68-2067C>A (NM_020984.4); short protein forms C82*.
Identifiers: ClinVar variation 1376673 (VCV001376673.6), dbSNP rs1409154681, ClinGen allele CA376725409.
Genomic context (GRCh38, chr10:49,614,435, plus strand): 5'-CGCTGCGACACGCCCCCCACCCCTTCCGGCTCACACCCCCGCCCACACTCCTGAGTGGTG[C>A]GGTGCAGCGTCGGCCGAGGCAGCAGAGCCGAGGAGAGCAGGTGAGAAGAAGGGCTGGGCT-3'

ClinVar aggregate classification (germline): Uncertain significance (1 of 4 stars; one submission).

Conditions:
Familial infantile myasthenia (CMS6). Also called: MYASTHENIC SYNDROME, PRESYNAPTIC, CONGENITAL, ASSOCIATED WITH EPISODIC APNEA; MYASTHENIC SYNDROME, CONGENITAL, 6, PRESYNAPTIC; Congenital myasthenic syndrome type 6. Identifiers: Orphanet 590, MedGen C0393929, MONDO:0009689, OMIM 254210.

Allele frequency attached by ClinVar (database versions not stated): gnomAD exomes below 0.00001; TOPMed below 0.00001.
gnomAD v4.1: 2 of 1,547,676 alleles (0.00013%); highest among the groups gnomAD compares: Non-Finnish European, 0.00017%; no homozygotes.

Submission:

Labcorp Genetics (formerly Invitae), Labcorp
Classification: Uncertain significance for Familial infantile myasthenia. Last evaluated: 2021-08-26. Review status: criteria provided, single submitter. Criteria: Invitae Variant Classification Sherloc (09022015). Collection method: clinical testing. Allele origin: germline.
Comment: This variant has not been reported in the literature in individuals affected with CHAT-related conditions. This sequence change creates a premature translational stop signal (p.Cys82*) in the CHAT gene. However, it is currently unclear if variants that occur in this region of the gene cause disease. In summary, the available evidence is currently insufficient to determine the role of this variant in disease. Therefore, it has been classified as a Variant of Uncertain Significance. Algorithms developed to predict the effect of sequence changes on RNA splicing suggest that this variant may create or strengthen a splice site. The frequency data for this variant in the population databases is considered unreliable, as metrics indicate insufficient coverage at this position in the ExAC database.